The following is an entry in ClinVar:

NC_000017.10:g.(?_40690337)_(40690793_?)dup

Gene: NAGLU (N-acetyl-alpha-glucosaminidase; plus strand). Cytogenetic location: 17q21.2.
Variant type: Duplication.
Identifiers: ClinVar variation 1494484 (VCV001494484.5).

ClinVar aggregate classification (germline): Likely pathogenic (1 of 4 stars; one submission).

Conditions:
Mucopolysaccharidosis, MPS-III-B (MPS3B). Also called: N-ACETYL-ALPHA-D-GLUCOSAMINIDASE DEFICIENCY; NAGLU DEFICIENCY; SANFILIPPO SYNDROME B; MPS III B; MPS IIIB (Sanfilippo Syndrome Type B); MUCOPOLYSACCHARIDOSIS, TYPE IIIB. Identifiers: Orphanet 79270, MedGen C0086648, MONDO:0009656, OMIM 252920.
Charcot-Marie-Tooth disease axonal type 2V. Also called: CHARCOT-MARIE-TOOTH NEUROPATHY, TYPE 2V; CHARCOT-MARIE-TOOTH DISEASE, AXONAL, AUTOSOMAL DOMINANT, TYPE 2V. Identifiers: Orphanet 447964, MedGen C5569050, MONDO:0014665, OMIM 616491.

Submission:

Labcorp Genetics (formerly Invitae), Labcorp
Classification: Likely pathogenic for Charcot-Marie-Tooth disease axonal type 2V; Mucopolysaccharidosis, MPS-III-B. Last evaluated: 2024-01-24. Review status: criteria provided, single submitter. Criteria: Invitae Variant Classification Sherloc (09022015). Collection method: clinical testing. Allele origin: germline.
Comment: This variant results in a copy number gain of the genomic region encompassing exon(s) 3-4 of the NAGLU gene. While the exact position of this variant cannot be determined from the data, sub-genic copy number gains are generally in tandem (PMID: 25640679). This variant is predicted to be out-of-frame, and may result in an absent or disrupted protein product. Loss-of-function variants in NAGLU are known to be pathogenic (PMID: 9832037, 10094189, 16151907). This variant has not been reported in the literature in individuals affected with NAGLU-related conditions. In summary, the currently available evidence indicates that the variant is pathogenic, but additional data are needed to prove that conclusively. Therefore, this variant has been classified as Likely Pathogenic.

Literature cited by the submitters: PubMed 25640679; PubMed 9832037; PubMed 10094189; PubMed 16151907.